The following is an entry in ClinVar:

NM_002878.4(RAD51D):c.852A>C (p.Ala284=)

Genes: RAD51D (RAD51 paralog D; minus strand), RAD51L3-RFFL (RAD51L3-RFFL readthrough; minus strand). Cytogenetic location: 17q12.
Variant type: single nucleotide variant.
Coding change: c.852A>C on transcript NM_002878.4 (MANE Select); coding-DNA position 852, A replaced by C.
Protein change: p.Ala284=; no amino-acid change (alanine 284 retained).
Molecular consequence: synonymous variant. On other transcripts: non-coding transcript variant (3).
Genome position (GRCh38, 1-based): chr17:35,101,252, T>G on the plus strand (A>C on the coding strand, the complement: RAD51D is on the minus strand). VCF-style: chr17-35101252-T-G. GRCh37 (hg19) VCF-style: chr17-33428271-T-G.
Other names: c.912A>C, p.Ala304= (NM_001142571.2); c.516A>C, p.Ala172= (NM_133629.3).
Identifiers: ClinVar variation 3903924 (VCV003903924.1).

ClinVar aggregate classification (germline): Benign (1 of 4 stars; one submission).

Conditions:
Breast-ovarian cancer, familial, susceptibility to, 4. Identifiers: Orphanet 145, MedGen C3280345, MONDO:0013669, OMIM 614291.

Submission:

Myriad Genetics, Inc.
Classification: Benign for Breast-ovarian cancer, familial, susceptibility to, 4. Last evaluated: 2025-02-25. Review status: criteria provided, single submitter. Criteria: Myriad Autosomal Dominant, Autosomal Recessive and X-Linked Classification Criteria (2023). Collection method: clinical testing. Allele origin: unknown.
Comment: This variant is considered benign. This variant is a silent/synonymous amino acid change and it is not expected to impact splicing.